The following is an entry in ClinVar:

ClinVar aggregate classification (germline): Likely benign (0 of 4 stars; one submission).

Conditions:
SEMA3G-related disorder. Also called: SEMA3G-related condition.

Allele frequency attached by ClinVar (database versions not stated): ExAC 0.00001; TOPMed 0.00003; gnomAD 0.00004.
gnomAD v4.1: 17 of 1,614,052 alleles (0.0011%); highest among the groups gnomAD compares: Middle Eastern, 0.016%; no homozygotes.

Submission:

PreventionGenetics, part of Exact Sciences
Classification: Likely benign for SEMA3G-related condition. Last evaluated: 2024-06-30. Review status: no assertion criteria provided. Collection method: clinical testing. Allele origin: germline.
Comment: This variant is classified as likely benign based on ACMG/AMP sequence variant interpretation guidelines (Richards et al. 2015 PMID: 25741868, with internal and published modifications).

NM_020163.3(SEMA3G):c.2055G>A (p.Pro685=)

Gene: SEMA3G (semaphorin 3G; minus strand). Cytogenetic location: 3p21.1.
Variant type: single nucleotide variant.
Coding change: c.2055G>A on transcript NM_020163.3 (MANE Select); coding-DNA position 2055, G replaced by A.
Protein change: p.Pro685=; no amino-acid change (proline 685 retained).
Molecular consequence: synonymous variant.
Genome position (GRCh38, 1-based): chr3:52,435,897, C>T on the plus strand (G>A on the coding strand, the complement: SEMA3G is on the minus strand). VCF-style: chr3-52435897-C-T. GRCh37 (hg19) VCF-style: chr3-52469913-C-T.
Identifiers: ClinVar variation 2629442 (VCV002629442.2), dbSNP rs763946717, ClinGen allele CA2437731.